The following is an entry in ClinVar:

NM_018341.3(ERMARD):c.1521-82del

Gene: ERMARD (ER membrane associated RNA degradation; plus strand). Cytogenetic location: 6q27.
Variant type: Deletion.
Coding change: c.1521-82del on transcript NM_018341.3 (MANE Select); 82 bases into the intron before coding-DNA position 1521, one base deleted (G; older notation c.1521-82delG).
Molecular consequence: intron variant. On other transcripts: frameshift variant (1).
Genome position (GRCh38, 1-based): chr6:169,776,373, G deleted. VCF-style (leftmost placement, unchanged base first): chr6-169776372-AG-A. GRCh37 (hg19) VCF-style: chr6-170176468-AG-A.
Other names: c.1560del, p.Lys520fs (NM_001278531.2); c.1520+308del (NM_001278533.2); c.1143-82del (NM_001278532.2); short protein forms K520fs.
Identifiers: ClinVar variation 1343259 (VCV001343259.1), dbSNP rs2128365664, ClinGen allele CA2573052650.

ClinVar aggregate classification (germline): Uncertain significance (1 of 4 stars; one submission).

Conditions:
Periventricular nodular heterotopia 6 (PVNH6). Identifiers: Orphanet 2149, MedGen C3809872, MONDO:0014240, OMIM 615544.

Submission:

Institute of Human Genetics, Clinical Exome/Genome Diagnostics Group, University Hospital Bonn
Classification: Uncertain significance for Periventricular nodular heterotopia 6. Last evaluated: 2022-01-14. Review status: criteria provided, single submitter. Criteria: ACMG Guidelines, 2015. Collection method: clinical testing. Allele origin: germline. Affected: yes.
Comment: PM2